The following is an entry in ClinVar:

ClinVar aggregate classification (germline): Conflicting classifications of pathogenicity. Review status: criteria provided, conflicting classifications (1 of 4 stars). 6 submissions from 6 submitters: Uncertain significance (1); Benign (1); Likely benign (4). Last evaluated 2026-01-28.

Conditions:
Fanconi anemia (FA). Also called: Fanconi's anemia. Identifiers: Orphanet 84, MedGen C0015625, MeSH D005199, MONDO:0019391.
Fanconi anemia complementation group F. Also called: FANCF-Related Fanconi Anemia. Identifiers: Orphanet 84, MedGen C3469526, MONDO:0011325, OMIM 603467.

Allele frequency attached by ClinVar (database versions not stated): ESP Exome Variant Server 0.00015; gnomAD 0.00019 and 0.00020; TOPMed 0.00020; ExAC 0.00025; gnomAD exomes 0.00030.

Submissions (6):

Labcorp Genetics (formerly Invitae), Labcorp
Classification: Benign for Fanconi anemia. Last evaluated: 2026-01-28. Review status: criteria provided, single submitter. Criteria: Invitae Variant Classification Sherloc (09022015). Collection method: clinical testing. Allele origin: germline.

Blueprint Genetics
Classification: Likely benign. Last evaluated: 2024-10-03. Review status: criteria provided, single submitter. Criteria: ACMG Guidelines, 2015. Collection method: clinical testing. Allele origin: germline.

CeGaT Center for Human Genetics Tuebingen
Classification: Likely benign. Last evaluated: 2024-04-01. Review status: criteria provided, single submitter. Criteria: CeGaT Center For Human Genetics Tuebingen Variant Classification Criteria Version 2. Collection method: clinical testing. Allele origin: germline. Affected: yes. Observed: 2 variant alleles.
Comment: FANCF: BP4, BP7

Sema4
Classification: Likely benign for Fanconi anemia. Last evaluated: 2021-02-01. Review status: criteria provided, single submitter. Criteria: Sema4 Curation Guidelines. Collection method: curation. Allele origin: germline.

Illumina Laboratory Services, Illumina
Classification: Uncertain significance for Fanconi anemia complementation group F. Last evaluated: 2018-01-13. Review status: criteria provided, single submitter. Criteria: ICSL Variant Classification Criteria 13 December 2019. Collection method: clinical testing. Allele origin: germline.

Genetic Services Laboratory, University of Chicago
Classification: Likely benign. Last evaluated: 2016-04-20. Review status: criteria provided, single submitter. Criteria: ACMG Guidelines, 2015. Collection method: clinical testing. Allele origin: germline. Affected: no.

NM_022725.4(FANCF):c.465A>T (p.Pro155=)

Gene: FANCF (FA complementation group F; minus strand). Cytogenetic location: 11p14.3.
Variant type: single nucleotide variant.
Coding change: c.465A>T on transcript NM_022725.4 (MANE Select); coding-DNA position 465, A replaced by T.
Protein change: p.Pro155=; no amino-acid change (proline 155 retained).
Molecular consequence: synonymous variant.
Genome position (GRCh38, 1-based): chr11:22,625,346, T>A on the plus strand (A>T on the coding strand, the complement: FANCF is on the minus strand). VCF-style: chr11-22625346-T-A. GRCh37 (hg19) VCF-style: chr11-22646892-T-A.
Identifiers: ClinVar variation 241441 (VCV000241441.60), dbSNP rs201215734, ClinGen allele CA5924326.